The following is an entry in ClinVar:

ClinVar aggregate classification (germline): Uncertain significance. Review status: criteria provided, multiple submitters, no conflicts (2 of 4 stars). 3 submissions from 3 submitters: Uncertain significance (3). Last evaluated 2026-02-16.

Conditions:
Bardet-Biedl syndrome (BBS). Identifiers: Orphanet 110, MedGen C0752166, MONDO:0015229.
BBS2-related disorder. Also called: BBS2-related disorders; BBS2-related condition. Identifiers: MedGen CN239228.

Allele frequency attached by ClinVar (database versions not stated): ExAC 0.00002; gnomAD 0.00001; gnomAD exomes 0.00001; TOPMed 0.00001.
gnomAD v4.1: 15 of 1,613,974 alleles (0.00093%); highest among the groups gnomAD compares: African/African-American, 0.02%; no homozygotes.

Submissions (3):

PreventionGenetics, part of Exact Sciences
Classification: Uncertain significance for BBS2-related condition. Last evaluated: 2026-02-16. Review status: criteria provided, single submitter. Criteria: ACMG Guidelines, 2015. Collection method: clinical testing. Allele origin: germline.
Comment: The BBS2 c.1602T>G variant is predicted to result in the amino acid substitution p.Cys534Trp. This variant has been reported in an individual with retinitis pigmentosa (Table S2, Zhong et al. 2023. PubMed ID: 37031301). This variant is reported in 0.012% of alleles in individuals of African descent in gnomAD. At this time, the clinical significance of this variant is uncertain due to the absence of conclusive functional and genetic evidence.

Revvity Omics, Revvity
Classification: Uncertain significance. Last evaluated: 2022-10-11. Review status: criteria provided, single submitter. Criteria: ACMG Guidelines, 2015. Collection method: clinical testing. Allele origin: germline.

Labcorp Genetics (formerly Invitae), Labcorp
Classification: Uncertain significance for Bardet-Biedl syndrome. Last evaluated: 2022-06-13. Review status: criteria provided, single submitter. Criteria: Invitae Variant Classification Sherloc (09022015). Collection method: clinical testing. Allele origin: germline.
Comment: This sequence change replaces cysteine, which is neutral and slightly polar, with tryptophan, which is neutral and slightly polar, at codon 534 of the BBS2 protein (p.Cys534Trp). This variant is present in population databases (rs747228782, gnomAD 0.01%). This variant has not been reported in the literature in individuals affected with BBS2-related conditions. Algorithms developed to predict the effect of missense changes on protein structure and function are either unavailable or do not agree on the potential impact of this missense change (SIFT: "Deleterious"; PolyPhen-2: "Possibly Damaging"; Align-GVGD: "Class C0"). In summary, the available evidence is currently insufficient to determine the role of this variant in disease. Therefore, it has been classified as a Variant of Uncertain Significance.

NM_031885.5(BBS2):c.1602T>G (p.Cys534Trp)

Gene: BBS2 (Bardet-Biedl syndrome 2; minus strand). Cytogenetic location: 16q13.
Variant type: single nucleotide variant.
Coding change: c.1602T>G on transcript NM_031885.5 (MANE Select); coding-DNA position 1602, T replaced by G.
Protein change: p.Cys534Trp; replaces cysteine 534 with tryptophan.
Molecular consequence: missense variant. On other transcripts: non-coding transcript variant (5).
Genome position (GRCh38, 1-based): chr16:56,498,494, A>C on the plus strand (T>G on the coding strand, the complement: BBS2 is on the minus strand). VCF-style: chr16-56498494-A-C. GRCh37 (hg19) VCF-style: chr16-56532406-A-C.
Other names: c.1602T>G (NM_031885.4, NM_031885.3); c.1602T>G, p.Cys534Trp (NM_001377456.1); short protein forms C534W.
Identifiers: ClinVar variation 1357173 (VCV001357173.10), dbSNP rs747228782, ClinGen allele CA8065669.